The following continues an entry in ClinVar:

NM_002292.4(LAMB2):c.2740G>A (p.Gly914Arg)

Gene: LAMB2. ClinVar aggregate classification (germline): Benign/Likely benign. Benign (10); Likely benign (1).

Submissions 31 to 54 of 54:

Dr. Peter K. Rogan Lab, Western University
No classification provided (evidence only). Condition: Sarcoma. Review status: no classification provided. Collection method: in vitro. Allele origin: not applicable. Functional consequence: retained intron. Not counted in ClinVar's aggregate classification.

Dr. Peter K. Rogan Lab, Western University
No classification provided (evidence only). Condition: Sarcoma. Review status: no classification provided. Collection method: in vitro. Allele origin: not applicable. Functional consequence: retained intron. Not counted in ClinVar's aggregate classification.

Dr. Peter K. Rogan Lab, Western University
No classification provided (evidence only). Condition: Sarcoma. Review status: no classification provided. Collection method: in vitro. Allele origin: not applicable. Functional consequence: retained intron. Not counted in ClinVar's aggregate classification.

Dr. Peter K. Rogan Lab, Western University
No classification provided (evidence only). Condition: Sarcoma. Review status: no classification provided. Collection method: in vitro. Allele origin: not applicable. Functional consequence: retained intron. Not counted in ClinVar's aggregate classification.

Dr. Peter K. Rogan Lab, Western University
No classification provided (evidence only). Condition: Sarcoma. Review status: no classification provided. Collection method: in vitro. Allele origin: not applicable. Functional consequence: retained intron. Not counted in ClinVar's aggregate classification.

Dr. Peter K. Rogan Lab, Western University
No classification provided (evidence only). Condition: Sarcoma. Review status: no classification provided. Collection method: in vitro. Allele origin: not applicable. Functional consequence: retained intron. Not counted in ClinVar's aggregate classification.

Dr. Peter K. Rogan Lab, Western University
No classification provided (evidence only). Condition: Sarcoma. Review status: no classification provided. Collection method: in vitro. Allele origin: not applicable. Functional consequence: retained intron. Not counted in ClinVar's aggregate classification.

Dr. Peter K. Rogan Lab, Western University
No classification provided (evidence only). Condition: Sarcoma. Review status: no classification provided. Collection method: in vitro. Allele origin: not applicable. Functional consequence: retained intron. Not counted in ClinVar's aggregate classification.

Dr. Peter K. Rogan Lab, Western University
No classification provided (evidence only). Condition: Sarcoma. Review status: no classification provided. Collection method: in vitro. Allele origin: not applicable. Functional consequence: retained intron. Not counted in ClinVar's aggregate classification.

Dr. Peter K. Rogan Lab, Western University
No classification provided (evidence only). Condition: Sarcoma. Review status: no classification provided. Collection method: in vitro. Allele origin: not applicable. Functional consequence: retained intron. Not counted in ClinVar's aggregate classification.

Dr. Peter K. Rogan Lab, Western University
No classification provided (evidence only). Condition: Nonpapillary renal cell carcinoma. Review status: no classification provided. Collection method: in vitro. Allele origin: not applicable. Functional consequence: retained intron. Not counted in ClinVar's aggregate classification.

Dr. Peter K. Rogan Lab, Western University
No classification provided (evidence only). Condition: Nonpapillary renal cell carcinoma. Review status: no classification provided. Collection method: in vitro. Allele origin: not applicable. Functional consequence: retained intron. Not counted in ClinVar's aggregate classification.

Dr. Peter K. Rogan Lab, Western University
No classification provided (evidence only). Condition: Nonpapillary renal cell carcinoma. Review status: no classification provided. Collection method: in vitro. Allele origin: not applicable. Functional consequence: retained intron. Not counted in ClinVar's aggregate classification.

Dr. Peter K. Rogan Lab, Western University
No classification provided (evidence only). Condition: Nonpapillary renal cell carcinoma. Review status: no classification provided. Collection method: in vitro. Allele origin: not applicable. Functional consequence: retained intron. Not counted in ClinVar's aggregate classification.

Dr. Peter K. Rogan Lab, Western University
No classification provided (evidence only). Condition: Thymoma. Review status: no classification provided. Collection method: in vitro. Allele origin: not applicable. Functional consequence: retained intron. Not counted in ClinVar's aggregate classification.

Dr. Peter K. Rogan Lab, Western University
No classification provided (evidence only). Condition: Thymoma. Review status: no classification provided. Collection method: in vitro. Allele origin: not applicable. Functional consequence: retained intron. Not counted in ClinVar's aggregate classification.

Dr. Peter K. Rogan Lab, Western University
No classification provided (evidence only). Condition: Thymoma. Review status: no classification provided. Collection method: in vitro. Allele origin: not applicable. Functional consequence: retained intron. Not counted in ClinVar's aggregate classification.

Dr. Peter K. Rogan Lab, Western University
No classification provided (evidence only). Condition: Uterine carcinosarcoma. Review status: no classification provided. Collection method: in vitro. Allele origin: not applicable. Functional consequence: retained intron. Not counted in ClinVar's aggregate classification.

Dr. Peter K. Rogan Lab, Western University
No classification provided (evidence only). Condition: Uveal melanoma. Review status: no classification provided. Collection method: in vitro. Allele origin: not applicable. Functional consequence: retained intron. Not counted in ClinVar's aggregate classification.

Dr. Peter K. Rogan Lab, Western University
No classification provided (evidence only). Condition: Uveal melanoma. Review status: no classification provided. Collection method: in vitro. Allele origin: not applicable. Functional consequence: retained intron. Not counted in ClinVar's aggregate classification.

Dr. Peter K. Rogan Lab, Western University
No classification provided (evidence only). Condition: Uveal melanoma. Review status: no classification provided. Collection method: in vitro. Allele origin: not applicable. Functional consequence: retained intron. Not counted in ClinVar's aggregate classification.

Dr. Peter K. Rogan Lab, Western University
No classification provided (evidence only). Condition: Uveal melanoma. Review status: no classification provided. Collection method: in vitro. Allele origin: not applicable. Functional consequence: retained intron. Not counted in ClinVar's aggregate classification.

Dr. Peter K. Rogan Lab, Western University
No classification provided (evidence only). Condition: Uveal melanoma. Review status: no classification provided. Collection method: in vitro. Allele origin: not applicable. Functional consequence: retained intron. Not counted in ClinVar's aggregate classification.

Dr. Peter K. Rogan Lab, Western University
No classification provided (evidence only). Condition: Uveal melanoma. Review status: no classification provided. Collection method: in vitro. Allele origin: not applicable. Functional consequence: retained intron. Not counted in ClinVar's aggregate classification.

Literature cited by the submitters: PubMed 20556798 (cited by Mayo Clinic Laboratories, Mayo Clinic and Athena Diagnostics); PubMed 18594871 (cited by Athena Diagnostics); PubMed 26239645 (cited by Athena Diagnostics).